The following is an entry in ClinVar:

NM_001267550.2(TTN):c.86727dup (p.Gln28910fs)

Genes: TTN (titin; minus strand), TTN-AS1 (TTN antisense RNA 1; plus strand). Cytogenetic location: 2q31.2.
Variant type: Duplication.
Coding change: c.86727dup on transcript NM_001267550.2 (MANE Select); coding-DNA position 86727, one base duplicated (A; older notation c.86727dupA).
Protein change: p.Gln28910fs; shifts the reading frame from glutamine 28910.
Molecular consequence: frameshift variant.
Genome position (GRCh38, 1-based): chr2:178,559,405, T duplicated on the plus strand (A on the coding strand, the reverse complement: TTN is on the minus strand). VCF-style (leftmost placement, unchanged base first): chr2-178559404-G-GT. GRCh37 (hg19) VCF-style: chr2-179424131-G-GT.
Other names: c.86727dupA (NM_001267550.1); c.81804dup, p.Gln27269fs (NM_001256850.1); c.59532dup, p.Gln19845fs (NM_003319.4); c.79023dup, p.Gln26342fs (NM_133378.4); c.59907dup, p.Gln19970fs (NM_133432.3); c.60108dup, p.Gln20037fs (NM_133437.4); short protein forms Q19845fs, Q19970fs, Q20037fs, Q26342fs, Q27269fs, Q28910fs.
Identifiers: ClinVar variation 3377377 (VCV003377377.4).

ClinVar aggregate classification (germline): Conflicting classifications of pathogenicity. Review status: criteria provided, conflicting classifications (1 of 4 stars). 3 submissions from 3 submitters: Likely pathogenic (2); Uncertain significance (1). Last evaluated 2025-01-22.

Conditions:
TTN-related disorder. Also called: TTN-related disorders; TTN-related condition; TTN-related disease.
Dilated cardiomyopathy 1G (CMD1G). Identifiers: Orphanet 154, MedGen C1858763, MONDO:0011400, OMIM 604145.
Autosomal recessive limb-girdle muscular dystrophy type 2J (LGMDR10). Also called: MUSCULAR DYSTROPHY, LIMB-GIRDLE, AUTOSOMAL RECESSIVE 10; Limb-girdle muscular dystrophy, type 2J. Identifiers: Orphanet 140922, MedGen C1837342, MONDO:0012127, OMIM 608807.

Submissions (3):

Labcorp Genetics (formerly Invitae), Labcorp
Classification: Likely pathogenic for Dilated cardiomyopathy 1G; Autosomal recessive limb-girdle muscular dystrophy type 2J. Last evaluated: 2025-01-22. Review status: criteria provided, single submitter. Criteria: Invitae Variant Classification Sherloc (09022015). Collection method: clinical testing. Allele origin: germline.
Comment: This sequence change creates a premature translational stop signal (p.Gln28910Thrfs*15) in the TTN gene. While this is not anticipated to result in nonsense mediated decay, it is expected to create a truncated TTN protein. This variant is not present in population databases (gnomAD no frequency). This variant has not been reported in the literature in individuals affected with TTN-related conditions. This variant is located in the A band of TTN (PMID: 25589632). Truncating variants in this region are significantly overrepresented in patients affected with dilated cardiomyopathy (PMID: 25589632). Truncating variants in this region have also been reported in individuals affected with autosomal recessive centronuclear myopathy (PMID: 23975875). In summary, the currently available evidence indicates that the variant is pathogenic, but additional data are needed to prove that conclusively. Therefore, this variant has been classified as Likely Pathogenic.

Blueprint Genetics
Classification: Likely pathogenic for TTN-related disorders. Last evaluated: 2024-06-05. Review status: criteria provided, single submitter. Criteria: ACMG Guidelines, 2015. Collection method: clinical testing. Allele origin: germline. Affected: yes. Observed: 1 variant allele.

Victorian Clinical Genetics Services, Murdoch Childrens Research Institute
Classification: Uncertain significance for Dilated cardiomyopathy 1G. Last evaluated: 2021-05-06. Review status: criteria provided, single submitter. Criteria: ACMG Guidelines, 2015. Collection method: clinical testing. Allele origin: germline.
Comment: Based on the classification scheme VCGS_Germline_v1.3.4, this variant is classified as VUS-3A. Following criteria are met: 0102 - Loss of function is known mechanism of disease in this gene. In addition, dominant-negative is also a suggested mechanism as not all truncated transcripts in dilated cardiomyopathy (DCM) undergo nonsense mediated decay (PMID: 25589632). (I) 0108 - This gene is associated with both recessive and dominant disease. (I) 0112 - The condition associated with this gene has incomplete penetrance. Null variants have been reported to have incomplete penetrance in DCM (PMID: 25589632, 28045975). (I) 0201 - Variant is predicted to cause nonsense-mediated decay (NMD) and loss of protein (premature termination codon is located at least 54 nucleotides upstream of the final exon-exon junction). (SP) 0251 - This variant is heterozygous. (I) 0301 - Variant is absent from gnomAD (both v2 and v3). (SP) 0600 - Variant is located in the annotated A-band and exon has a PSI score of 100 (PMID: 25589632). (I) 0703 - Other NMD-predicted variants comparable to the one identified in this case have moderate previous evidence for pathogenicity (ClinVar). (SP) 0807 - This variant has no previous evidence of pathogenicity. (I) 0905 - No published segregation evidence has been identified for this variant. (I) 1007 - No published functional evidence has been identified for this variant. (I) Legend: (SP) - Supporting pathogenic, (I) - Information, (SB) - Supporting benign

Literature cited by the submitters: PubMed 25589632 (cited by Labcorp Genetics (formerly Invitae), Labcorp and Victorian Clinical Genetics Services, Murdoch Childrens Research Institute); PubMed 23975875 (cited by Labcorp Genetics (formerly Invitae), Labcorp); PubMed 28045975 (cited by Victorian Clinical Genetics Services, Murdoch Childrens Research Institute).